The following is an entry in ClinVar:

NM_004082.5(DCTN1):c.3215C>G (p.Ala1072Gly)

Gene: DCTN1 (dynactin subunit 1; minus strand). Cytogenetic location: 2p13.1.
Variant type: single nucleotide variant.
Coding change: c.3215C>G on transcript NM_004082.5 (MANE Select); coding-DNA position 3215, C replaced by G.
Protein change: p.Ala1072Gly; replaces alanine 1072 with glycine.
Molecular consequence: missense variant. On other transcripts: non-coding transcript variant (1).
Genome position (GRCh38, 1-based): chr2:74,363,424, G>C on the plus strand (C>G on the coding strand, the complement: DCTN1 is on the minus strand). VCF-style: chr2-74363424-G-C. GRCh37 (hg19) VCF-style: chr2-74590551-G-C.
Other names: c.3140C>G, p.Ala1047Gly (NM_001135040.3); c.2798C>G, p.Ala933Gly (NM_001135041.3); c.3089C>G, p.Ala1030Gly (NM_001190836.2); c.3194C>G, p.Ala1065Gly (NM_001190837.2); c.3164C>G, p.Ala1055Gly (NM_001378991.1); c.3146C>G, p.Ala1049Gly (NM_001378992.1); c.2813C>G, p.Ala938Gly (NM_023019.4); short protein forms A1030G, A1072G, A938G, A1047G, A933G, A1065G, A1049G, A1055G.
Identifiers: ClinVar variation 574007 (VCV000574007.12), dbSNP rs780875333, ClinGen allele CA1721543.

ClinVar aggregate classification (germline): Uncertain significance. Review status: criteria provided, multiple submitters, no conflicts (2 of 4 stars). 3 submissions from 3 submitters: Uncertain significance (3). Last evaluated 2025-10-01.

Conditions:
Neuronopathy, distal hereditary motor, type 7B. Also called: NEURONOPATHY, DISTAL HEREDITARY MOTOR, AUTOSOMAL DOMINANT 14; NEURONOPATHY, DISTAL HEREDITARY MOTOR, HARDING TYPE VIIB; NEUROPATHY, DISTAL HEREDITARY MOTOR, HARDING TYPE VIIB; NEUROPATHY, DISTAL HEREDITARY MOTOR, WITH VOCAL CORD PARALYSIS, HARDING TYPE VIIB; HMN VIIB; Distal Hereditary Motor Neuronopathy Type 7B (dHMN7B). Identifiers: Orphanet 139589, MedGen C1843315, MONDO:0011879, OMIM 607641.
Perry syndrome. Also called: PARKINSONISM WITH ALVEOLAR HYPOVENTILATION AND MENTAL DEPRESSION. Identifiers: Orphanet 178509, MedGen C1868594, MONDO:0008201, OMIM 168605.
Amyotrophic lateral sclerosis type 1 (ALS1). Also called: AMYOTROPHIC LATERAL SCLEROSIS 1, FAMILIAL. Identifiers: Orphanet 803, MedGen C1862939, MONDO:0007103, OMIM 105400.
DCTN1-related disorder. Also called: DCTN1-related condition.

Allele frequency attached by ClinVar (database versions not stated): ExAC 0.00001; gnomAD exomes 0.00002 and 0.00005; TOPMed 0.00002; gnomAD 0.00005.
gnomAD v4.1: 74 of 1,612,042 alleles (0.0046%); highest among the groups gnomAD compares: Non-Finnish European, 0.0059%; no homozygotes.

Submissions (3):

Labcorp Genetics (formerly Invitae), Labcorp
Classification: Uncertain significance for Amyotrophic lateral sclerosis type 1; Neuronopathy, distal hereditary motor, type 7B; Perry syndrome. Last evaluated: 2025-10-01. Review status: criteria provided, single submitter. Criteria: Invitae Variant Classification Sherloc (09022015). Collection method: clinical testing. Allele origin: germline.
Comment: This sequence change replaces alanine, which is neutral and non-polar, with glycine, which is neutral and non-polar, at codon 1072 of the DCTN1 protein (p.Ala1072Gly). This variant is present in population databases (rs780875333, gnomAD 0.005%). This variant has not been reported in the literature in individuals affected with DCTN1-related conditions. ClinVar contains an entry for this variant (Variation ID: 574007). Invitae Evidence Modeling of protein sequence and biophysical properties (such as structural, functional, and spatial information, amino acid conservation, physicochemical variation, residue mobility, and thermodynamic stability) indicates that this missense variant is not expected to disrupt DCTN1 protein function with a negative predictive value of 95%. In summary, the available evidence is currently insufficient to determine the role of this variant in disease. Therefore, it has been classified as a Variant of Uncertain Significance.

PreventionGenetics, part of Exact Sciences
Classification: Uncertain significance for DCTN1-related condition. Last evaluated: 2025-09-25. Review status: criteria provided, single submitter. Criteria: ACMG Guidelines, 2015. Collection method: clinical testing. Allele origin: germline.
Comment: The DCTN1 c.3215C>G variant is predicted to result in the amino acid substitution p.Ala1072Gly. To our knowledge, this variant has not been reported in the literature. This variant is reported in 0.0047% of alleles in individuals of European (Non-Finnish) descent in gnomAD. At this time, the clinical significance of this variant is uncertain due to the absence of conclusive functional and genetic evidence.

Women's Health and Genetics/Laboratory Corporation of America, LabCorp
Classification: Uncertain significance. Last evaluated: 2023-10-17. Review status: criteria provided, single submitter. Criteria: LabCorp Variant Classification Summary - May 2015. Collection method: clinical testing. Allele origin: germline.
Comment: Variant summary: DCTN1 c.3215C>G (p.Ala1072Gly) results in a non-conservative amino acid change in the encoded protein sequence. Four of five in-silico tools predict a benign effect of the variant on protein function. The variant allele was found at a frequency of 1.6e-05 in 248158 control chromosomes (gnomAD). The available data on variant occurrences in the general population are insufficient to allow any conclusion about variant significance. To our knowledge, no occurrence of c.3215C>G in individuals affected with DCTN1-Related Disorders and no experimental evidence demonstrating its impact on protein function have been reported. One submitter has cited a clinical-significance assessment for this variant to ClinVar after 2014 and has classified the variant as uncertain significance. Based on the evidence outlined above, the variant was classified as uncertain significance.